The following is an entry in ClinVar:

NM_052947.4(ALPK2):c.5290T>C (p.Ser1764Pro)

Genes: ALPK2 (alpha kinase 2; minus strand), LOC130062577 (ATAC-STARR-seq lymphoblastoid active region 13389; plus strand). Cytogenetic location: 18q21.31.
Variant type: single nucleotide variant.
Coding change: c.5290T>C on transcript NM_052947.4 (MANE Select); coding-DNA position 5290, T replaced by C.
Protein change: p.Ser1764Pro; replaces serine 1764 with proline.
Molecular consequence: missense variant.
Genome position (GRCh38, 1-based): chr18:58,534,897, A>G on the plus strand (T>C on the coding strand, the complement: ALPK2 is on the minus strand). VCF-style: chr18-58534897-A-G. GRCh37 (hg19) VCF-style: chr18-56202129-A-G.
Other names: short protein forms S1764P.
Identifiers: ClinVar variation 1746638 (VCV001746638.3), dbSNP rs1292188381, ClinGen allele CA402557190.
Genomic context (GRCh38, chr18:58,534,897, plus strand): 5'-TTCCTTCTCTTTTGCAAGATGGCTTTTTTGGGTCTTGTTTCTCTTCTGTGTGTGATAATG[A>G]TGTTTCGAGTTTGGGCATCTTTTTAAGAAAGGCTGAGTTCTTTCTGATATTTTCCTTTTC-3'
Protein context (NP_443179.3, residues 1754-1774): FLKKMPKLET[Ser1764Pro]LSHTEEKQDP

ClinVar aggregate classification (germline): Uncertain significance (1 of 4 stars; one submission).

Allele frequency attached by ClinVar (database versions not stated): gnomAD 0.00001; gnomAD exomes 0.00001; TOPMed 0.00001.
gnomAD v4.1: 6 of 1,613,922 alleles (0.00037%); highest among the groups gnomAD compares: Non-Finnish European, 0.00051%; no homozygotes.

Submission:

Ambry Genetics
Classification: Uncertain significance. Last evaluated: 2024-05-17. Review status: criteria provided, single submitter. Criteria: Ambry Variant Classification Scheme 2023. Collection method: clinical testing. Allele origin: germline.
Comment: The p.S1764P variant (also known as c.5290T>C), located in coding exon 4 of the ALPK2 gene, results from a T to C substitution at nucleotide position 5290. The serine at codon 1764 is replaced by proline, an amino acid with similar properties. This amino acid position is conserved. In addition, this alteration is predicted to be tolerated by in silico analysis. Since supporting evidence is limited at this time, the clinical significance of this alteration remains unclear.